The following is an entry in ClinVar:

ClinVar aggregate classification (germline): Uncertain significance (1 of 4 stars; one submission).

Conditions:
Cryopyrin associated periodic syndrome (CAPS). Identifiers: Orphanet 208650, MedGen C2316212, MONDO:0016168.

Submission:

Labcorp Genetics (formerly Invitae), Labcorp
Classification: Uncertain significance for Cryopyrin associated periodic syndrome. Last evaluated: 2024-11-15. Review status: criteria provided, single submitter. Criteria: Invitae Variant Classification Sherloc (09022015). Collection method: clinical testing. Allele origin: germline.
Comment: This sequence change replaces arginine, which is basic and polar, with glutamine, which is neutral and polar, at codon 262 of the NLRP3 protein (p.Arg262Gln). This variant is not present in population databases (gnomAD no frequency). This missense change has been observed in individual(s) with cryopyrin-associated periodic syndromes (CAPS) (PMID: 31217698). Experimental studies and prediction algorithms are not available or were not evaluated, and the functional significance of this variant is currently unknown. This variant disrupts the p.Arg262 amino acid residue in NLRP3. Other variant(s) that disrupt this residue have been determined to be pathogenic (PMID: 11992256, 20472245). This suggests that this residue is clinically significant, and that variants that disrupt this residue are likely to be disease-causing. In summary, the available evidence is currently insufficient to determine the role of this variant in disease. Therefore, it has been classified as a Variant of Uncertain Significance.

Literature cited by the submitters: PubMed 31217698; PubMed 11992256; PubMed 20472245.

NM_001243133.2(NLRP3):c.779_780delinsAG (p.Arg260Gln)

Gene: NLRP3 (NLR family pyrin domain containing 3; plus strand). Cytogenetic location: 1q44.
Variant type: Indel.
Coding change: c.779_780delinsAG on transcript NM_001243133.2 (MANE Select); coding-DNA positions 779 to 780, GA replaced by AG.
Protein change: p.Arg260Gln; replaces arginine 260 with glutamine.
Molecular consequence: missense variant.
Genome position (GRCh38, 1-based): chr1:247,424,228-247,424,229, GA replaced by AG. VCF-style: chr1-247424228-GA-AG. GRCh37 (hg19) VCF-style: chr1-247587530-GA-AG.
Other names: c.779_780delinsAG, p.Arg260Gln (NM_001079821.3, NM_001127461.3, NM_001127462.3 and 1 more transcripts); c.785_786delinsAG, p.Arg262Gln (NM_004895.5); short protein forms R260Q, R262Q.
Identifiers: ClinVar variation 2896705 (VCV002896705.3), dbSNP rs2527260044, ClinGen allele CA2739274111.
Genomic context (GRCh38, chr1:247,424,228, plus strand): 5'-ACTGGGCGTCGGGGACACTCTACCAAGACAGGTTTGACTATCTGTTCTATATCCACTGTC[GA>AG]GAGGTGAGCCTTGTGACACAGAGGAGCCTGGGGGACCTGATCATGAGCTGCTGCCCCGAC-3'
Protein context (NP_001230062.1, residues 250-270): RFDYLFYIHC[Arg260Gln]EVSLVTQRSL